The following is an entry in ClinVar:

ClinVar aggregate classification (germline): Uncertain significance. Review status: criteria provided, multiple submitters, no conflicts (2 of 4 stars). 2 submissions from 2 submitters: Uncertain significance (2). Last evaluated 2022-10-05.

Allele frequency attached by ClinVar (database versions not stated): gnomAD 0.00004; gnomAD exomes 0.00005 and 0.00006; ExAC 0.00007; TOPMed 0.00008; ESP Exome Variant Server 0.00015.
gnomAD v4.1: 76 of 1,613,920 alleles (0.0047%); highest among the groups gnomAD compares: Admixed American, 0.0083%; no homozygotes.

Submissions (2):

Labcorp Genetics (formerly Invitae), Labcorp
Classification: Uncertain significance. Last evaluated: 2022-10-05. Review status: criteria provided, single submitter. Criteria: Invitae Variant Classification Sherloc (09022015). Collection method: clinical testing. Allele origin: germline.
Comment: This sequence change replaces threonine, which is neutral and polar, with alanine, which is neutral and non-polar, at codon 718 of the FCHO1 protein (p.Thr718Ala). This variant is present in population databases (rs372796615, gnomAD 0.01%). This variant has not been reported in the literature in individuals affected with FCHO1-related conditions. ClinVar contains an entry for this variant (Variation ID: 1400347). Algorithms developed to predict the effect of missense changes on protein structure and function are either unavailable or do not agree on the potential impact of this missense change (SIFT: "Tolerated"; PolyPhen-2: "Probably Damaging"; Align-GVGD: "Class C0"). In summary, the available evidence is currently insufficient to determine the role of this variant in disease. Therefore, it has been classified as a Variant of Uncertain Significance.

Ambry Genetics
Classification: Uncertain significance. Last evaluated: 2022-06-29. Review status: criteria provided, single submitter. Criteria: Ambry Variant Classification Scheme 2023. Collection method: clinical testing. Allele origin: germline.

NM_015122.3(FCHO1):c.2152A>G (p.Thr718Ala)

Gene: FCHO1 (FCH and mu domain containing endocytic adaptor 1; plus strand). Cytogenetic location: 19p13.11.
Variant type: single nucleotide variant.
Coding change: c.2152A>G on transcript NM_015122.3 (MANE Select); coding-DNA position 2152, A replaced by G.
Protein change: p.Thr718Ala; replaces threonine 718 with alanine.
Molecular consequence: missense variant. On other transcripts: non-coding transcript variant (35), intron variant (2).
Genome position (GRCh38, 1-based): chr19:17,784,161, A>G. VCF-style: chr19-17784161-A-G. GRCh37 (hg19) VCF-style: chr19-17894970-A-G.
Other names: c.2152A>G, p.Thr718Ala (NM_001161357.2, NM_001161358.2, NM_001384370.1 and 13 more transcripts); c.2002A>G, p.Thr668Ala (NM_001161359.2, NM_001384384.1, NM_001384385.1 and 1 more transcripts); c.2113A>G, p.Thr705Ala (NM_001384388.1, NM_001384389.1); c.2077A>G, p.Thr693Ala (NM_001384390.1); c.2035A>G, p.Thr679Ala (NM_001384392.1, NM_001384393.1, NM_001384394.1 and 1 more transcripts); c.1876A>G, p.Thr626Ala (NM_001384396.1, NM_001384397.1, NM_001384398.1 and 5 more transcripts); c.1831A>G, p.Thr611Ala (NM_001384403.1); c.1726A>G, p.Thr576Ala (NM_001384406.1); and 3 more; short protein forms T611A, T626A, T679A, T693A, T576A, T668A, T705A, T718A.
Identifiers: ClinVar variation 1400347 (VCV001400347.4), dbSNP rs372796615, ClinGen allele CA9300772.
Genomic context (GRCh38, chr19:17,784,161, plus strand): 5'-AGTGACCCCTCCCAGAGTGACCCTGAGACCAAAGACTTCTGGCTCAACATGGCAGCTCTG[A>G]CCGAAGCCCTGCAGCGCCAGGCAGAGCAGAACCCCACTGCCTCCTACTACAACGTGGTGC-3'
Protein context (NP_055937.1, residues 708-728): KDFWLNMAAL[Thr718Ala]EALQRQAEQN